The following is an entry in ClinVar:

ClinVar aggregate classification (germline): Pathogenic/Likely pathogenic. Review status: criteria provided, multiple submitters, no conflicts (2 of 4 stars). 3 submissions from 3 submitters: Pathogenic (1); Likely pathogenic (2). Last evaluated 2025-11-17.

Conditions:
Autosomal recessive limb-girdle muscular dystrophy type 2J (LGMDR10). Also called: Limb-girdle muscular dystrophy, type 2J; MUSCULAR DYSTROPHY, LIMB-GIRDLE, AUTOSOMAL RECESSIVE 10. Identifiers: Orphanet 140922, MedGen C1837342, MONDO:0012127, OMIM 608807.
Dilated cardiomyopathy 1G (CMD1G). Identifiers: Orphanet 154, MedGen C1858763, MONDO:0011400, OMIM 604145.
Cardiovascular phenotype. Identifiers: MedGen CN230736.

Allele frequency attached by ClinVar (database versions not stated): TOPMed 0.00002.

Submissions (3):

Labcorp Genetics (formerly Invitae), Labcorp
Classification: Pathogenic for Dilated cardiomyopathy 1G; Autosomal recessive limb-girdle muscular dystrophy type 2J. Last evaluated: 2025-11-17. Review status: criteria provided, single submitter. Criteria: Invitae Variant Classification Sherloc (09022015). Collection method: clinical testing. Allele origin: germline.
Comment: This sequence change creates a premature translational stop signal (p.Trp20193*) in the TTN gene. While this is not anticipated to result in nonsense mediated decay, it is expected to create a truncated TTN protein. This variant is not present in population databases (gnomAD no frequency). This premature translational stop signal has been observed in individuals with clinical features of TTN-related conditions (internal data). ClinVar contains an entry for this variant (Variation ID: 859532). This variant is located in the A band of TTN (PMID: 25589632). Truncating variants in this region are significantly overrepresented in patients affected with dilated cardiomyopathy (PMID: 25589632). Truncating variants in this region have also been reported in individuals affected with autosomal recessive centronuclear myopathy (PMID: 23975875). For these reasons, this variant has been classified as Pathogenic.

GeneDx
Classification: Likely pathogenic. Last evaluated: 2025-07-14. Review status: criteria provided, single submitter. Criteria: GeneDx Variant Classification Process June 2021. Collection method: clinical testing. Allele origin: germline.
Comment: Has not been previously published as pathogenic or benign to our knowledge; Not observed at significant frequency in large population cohorts (gnomAD); Nonsense variant predicted to result in protein truncation or nonsense mediated decay in a gene for which loss of function is a known mechanism of disease; Located in the A-band, a region of TTN for which truncating variants are significantly associated with autosomal dominant cardiomyopathy and also with autosomal recessive skeletal myopathies (PMID: 22335739, 32778822); This variant is associated with the following publications: (PMID: 22335739, 32778822)

Ambry Genetics
Classification: Likely pathogenic for Cardiovascular phenotype. Last evaluated: 2025-03-27. Review status: criteria provided, single submitter. Criteria: Ambry Variant Classification Scheme 2023. Collection method: clinical testing. Allele origin: germline.
Comment: The p.W11128* variant (also known as c.33384G>A), located in coding exon 131 of the TTN gene, results from a G to A substitution at nucleotide position 33384. This changes the amino acid from a tryptophan to a stop codon within coding exon 131. This exon is located in the A-band region of the N2-B isoform of the titin protein and is constitutively expressed in TTN transcripts (percent spliced in or PSI 100%). This variant is considered to be rare based on population cohorts in the Genome Aggregation Database (gnomAD). This variant is expected to result in loss of function by premature protein truncation or nonsense-mediated mRNA decay. While truncating variants in TTN are present in 1-3% of the general population, truncating variants in the A-band are the most common cause of dilated cardiomyopathy (Herman DS et al. N. Engl. J. Med., 2012 Feb;366:619-28; Roberts AM et al. Sci Transl Med, 2015 Jan;7:270ra6). TTN truncating variants encoded in constitutive exons (PSI >90%) have been found to be significantly associated with DCM regardless of their position in titin (Schafer S et al. Nat. Genet., 2017 01;49:46-53; Akhtar MM et al. Circ Heart Fail, 2020 Oct;13:e006832; Massier M et al. Clin Genet, 2025 Jan). Based on the majority of available evidence to date, this variant is likely to be pathogenic.

Literature cited by the submitters: PubMed 25589632 (cited by Labcorp Genetics (formerly Invitae), Labcorp); PubMed 23975875 (cited by Labcorp Genetics (formerly Invitae), Labcorp).

NM_001267550.2(TTN):c.60579G>A (p.Trp20193Ter)

Genes: TTN (titin; minus strand), TTN-AS1 (TTN antisense RNA 1; plus strand). Cytogenetic location: 2q31.2.
Variant type: single nucleotide variant.
Coding change: c.60579G>A on transcript NM_001267550.2 (MANE Select); coding-DNA position 60579, G replaced by A.
Protein change: p.Trp20193Ter; replaces tryptophan 20193 with a stop codon.
Molecular consequence: nonsense. On other transcripts: non-coding transcript variant (1).
Genome position (GRCh38, 1-based): chr2:178,591,146, C>T on the plus strand (G>A on the coding strand, the complement: TTN is on the minus strand). VCF-style: chr2-178591146-C-T. GRCh37 (hg19) VCF-style: chr2-179455873-C-T.
Other names: c.55656G>A, p.Trp18552Ter (NM_001256850.1); c.33384G>A, p.Trp11128Ter (NM_003319.4); c.52875G>A, p.Trp17625Ter (NM_133378.4); c.33759G>A, p.Trp11253Ter (NM_133432.3); c.33960G>A, p.Trp11320Ter (NM_133437.4); c.60579G>A (NM_001267550.1); short protein forms W11253*, W11320*, W17625*, W18552*, W20193*, W11128*.
Identifiers: ClinVar variation 859532 (VCV000859532.13), dbSNP rs2050116026, ClinGen allele CA349483811.